The following is an entry in ClinVar:

ClinVar aggregate classification (germline): Uncertain significance (1 of 4 stars; one submission).

Submission:

Labcorp Genetics (formerly Invitae), Labcorp
Classification: Uncertain significance. Last evaluated: 2025-04-29. Review status: criteria provided, single submitter. Criteria: Invitae Variant Classification Sherloc (09022015). Collection method: clinical testing. Allele origin: germline.
Comment: This sequence change replaces glycine, which is neutral and non-polar, with tryptophan, which is neutral and slightly polar, at codon 60 of the KCNC3 protein (p.Gly60Trp). The frequency data for this variant in the population databases is considered unreliable, as metrics indicate insufficient coverage at this position in the gnomAD database. This variant has not been reported in the literature in individuals affected with KCNC3-related conditions. ClinVar contains an entry for this variant (Variation ID: 3608954). Invitae Evidence Modeling of protein sequence and biophysical properties (such as structural, functional, and spatial information, amino acid conservation, physicochemical variation, residue mobility, and thermodynamic stability) indicates that this missense variant is not expected to disrupt KCNC3 protein function with a negative predictive value of 95%. In summary, the available evidence is currently insufficient to determine the role of this variant in disease. Therefore, it has been classified as a Variant of Uncertain Significance.

NM_004977.3(KCNC3):c.178G>T (p.Gly60Trp)

Gene: KCNC3 (potassium voltage-gated channel subfamily C member 3; minus strand). Cytogenetic location: 19q13.33.
Variant type: single nucleotide variant.
Coding change: c.178G>T on transcript NM_004977.3 (MANE Select); coding-DNA position 178, G replaced by T.
Protein change: p.Gly60Trp; replaces glycine 60 with tryptophan.
Molecular consequence: missense variant. On other transcripts: 5 prime UTR variant (1).
Genome position (GRCh38, 1-based): chr19:50,328,905, C>A on the plus strand (G>T on the coding strand, the complement: KCNC3 is on the minus strand). VCF-style: chr19-50328905-C-A. GRCh37 (hg19) VCF-style: chr19-50832162-C-A.
Other names: c.-51G>T (NM_001372305.1); short protein forms G60W.
Identifiers: ClinVar variation 3608954 (VCV003608954.2).
Genomic context (GRCh38, chr19:50,328,905, plus strand): 5'-GCCGCCCCATGGCCGCCGCCGGCAGCCCGGGGCATGGCTCGGCGCGCCGGTCCCCGGGCC[C>A]GCGGGGTGCCGGGGGGCCCGCCGGGGACGCGGCGGGGCCGGGCTGCGCAGGCTGCTGCTG-3'
Protein context (NP_004968.2, residues 50-70): ASPAGPPAPR[Gly60Trp]PGDRRAEPCP